The following is an entry in ClinVar:

ClinVar aggregate classification (germline): Uncertain significance (1 of 4 stars; one submission).

Submission:

Labcorp Genetics (formerly Invitae), Labcorp
Classification: Uncertain significance. Last evaluated: 2022-08-19. Review status: criteria provided, single submitter. Criteria: Invitae Variant Classification Sherloc (09022015). Collection method: clinical testing. Allele origin: germline.
Comment: This sequence change replaces phenylalanine, which is neutral and non-polar, with leucine, which is neutral and non-polar, at codon 1292 of the ADGRV1 protein (p.Phe1292Leu). This variant is not present in population databases (gnomAD no frequency). This variant has not been reported in the literature in individuals affected with ADGRV1-related conditions. Algorithms developed to predict the effect of missense changes on protein structure and function output the following: SIFT: "Tolerated"; PolyPhen-2: "Possibly Damaging"; Align-GVGD: "Class C0". The leucine amino acid residue is found in multiple mammalian species, which suggests that this missense change does not adversely affect protein function. In summary, the available evidence is currently insufficient to determine the role of this variant in disease. Therefore, it has been classified as a Variant of Uncertain Significance.

NM_032119.4(ADGRV1):c.3876C>G (p.Phe1292Leu)

Gene: ADGRV1 (adhesion G protein-coupled receptor V1; plus strand). Cytogenetic location: 5q14.3.
Variant type: single nucleotide variant.
Coding change: c.3876C>G on transcript NM_032119.4 (MANE Select); coding-DNA position 3876, C replaced by G.
Protein change: p.Phe1292Leu; replaces phenylalanine 1292 with leucine.
Molecular consequence: missense variant. On other transcripts: non-coding transcript variant (1).
Genome position (GRCh38, 1-based): chr5:90,653,450, C>G. VCF-style: chr5-90653450-C-G. GRCh37 (hg19) VCF-style: chr5-89949267-C-G.
Other names: short protein forms F1292L.
Identifiers: ClinVar variation 1716711 (VCV001716711.3), dbSNP rs2149466859, ClinGen allele CA360399532.